The following is an entry in ClinVar:

ClinVar aggregate classification (germline): Uncertain significance (1 of 4 stars; one submission).

Allele frequency attached by ClinVar (database versions not stated): ExAC 0.00001; gnomAD 0.00011; gnomAD exomes 0.00001; ESP Exome Variant Server 0.00008; TOPMed 0.00008.
gnomAD v4.1: 25 of 1,613,220 alleles (0.0015%); highest among the groups gnomAD compares: African/African-American, 0.017%; no homozygotes.

Submission:

Labcorp Genetics (formerly Invitae), Labcorp
Classification: Uncertain significance. Last evaluated: 2025-11-13. Review status: criteria provided, single submitter. Criteria: Invitae Variant Classification Sherloc (09022015). Collection method: clinical testing. Allele origin: germline.
Comment: This sequence change replaces proline, which is neutral and non-polar, with serine, which is neutral and polar, at codon 135 of the PLG protein (p.Pro135Ser). This variant is present in population databases (rs199833895, gnomAD 0.004%). This variant has not been reported in the literature in individuals affected with PLG-related conditions. ClinVar contains an entry for this variant (Variation ID: 3013882). Invitae Evidence Modeling of protein sequence and biophysical properties (such as structural, functional, and spatial information, amino acid conservation, physicochemical variation, residue mobility, and thermodynamic stability) indicates that this missense variant is not expected to disrupt PLG protein function with a negative predictive value of 95%. In summary, the available evidence is currently insufficient to determine the role of this variant in disease. Therefore, it has been classified as a Variant of Uncertain Significance.

NM_000301.5(PLG):c.403C>T (p.Pro135Ser)

Gene: PLG (plasminogen; plus strand). Cytogenetic location: 6q26.
Variant type: single nucleotide variant.
Coding change: c.403C>T on transcript NM_000301.5 (MANE Select); coding-DNA position 403, C replaced by T.
Protein change: p.Pro135Ser; replaces proline 135 with serine.
Molecular consequence: missense variant.
Genome position (GRCh38, 1-based): chr6:160,711,187, C>T. VCF-style: chr6-160711187-C-T. GRCh37 (hg19) VCF-style: chr6-161132219-C-T.
Other names: c.403C>T, p.Pro135Ser (NM_001168338.1); short protein forms P135S.
Identifiers: ClinVar variation 3013882 (VCV003013882.3), dbSNP rs199833895, ClinGen allele CA4087412.